The following is an entry in ClinVar:

NM_000179.3(MSH6):c.1147AGG[2] (p.Arg385del)

Gene: MSH6 (mutS homolog 6; plus strand). Cytogenetic location: 2p16.3.
Variant type: Microsatellite.
Coding change: c.1147AGG[2] on transcript NM_000179.3 (MANE Select); two copies in a row of the 3-base unit AGG starting at c.1147; the reference has three copies in a row; one copy, 3 bases deleted.
Protein change: p.Arg385del; deletes arginine 385.
Molecular consequence: inframe deletion.
Genome position (GRCh38, 1-based): chr2:47,799,136-47,799,138, AGG deleted; deleting any 3 consecutive bases within chr2:47,799,130-47,799,138 gives the same sequence; the position shown is the placement nearest the transcript's 3' end. VCF-style (leftmost placement, unchanged base first): chr2-47799129-CAGG-C. GRCh37 (hg19) VCF-style: chr2-48026268-CAGG-C.
Other names: c.757AGG[2], p.Arg255del (NM_001281492.2); c.241AGG[2], p.Arg83del (NM_001281493.2, NM_001281494.2); c.1153_1155delAGG (NM_000179.2); short protein forms R385del, R255del, R83del.
Identifiers: ClinVar variation 89177 (VCV000089177.14), dbSNP rs267608043, ClinGen allele CA008163.
Genomic context (GRCh38, chr2:47,799,129, plus strand): 5'-TACTGTTTGGTATCATGAAACTTTAGAATGGCTTAAGGAGGAAAAGAGAAGAGATGAGCA[CAGG>C]AGGAGGCCTGATCACCCCGATTTTGATGCATCTACACTCTATGTGCCTGAGGATTTCCTC-3'

ClinVar aggregate classification (germline): Conflicting classifications of pathogenicity. Review status: criteria provided, conflicting classifications (1 of 4 stars). 3 submissions from 3 submitters: Likely pathogenic (2); Uncertain significance (1). Last evaluated 2025-04-15.

Conditions:
Hereditary cancer-predisposing syndrome. Also called: Tumor predisposition; Hereditary Cancer Syndrome; Hereditary neoplastic syndrome; Neoplastic Syndromes, Hereditary. Identifiers: Orphanet 140162, MedGen C0027672, MeSH D009386, MONDO:0015356.
Hereditary nonpolyposis colorectal neoplasms. Identifiers: MedGen C0009405, MeSH D003123.

Submissions (3):

Molecular Diagnostics Laboratory, Catalan Institute of Oncology
Classification: Likely pathogenic for Hereditary cancer-predisposing syndrome. Last evaluated: 2025-04-15. Review status: criteria provided, single submitter. Criteria: ClinGen CRC ACMG Specifications MSH6 V1.0.0. Collection method: clinical testing. Allele origin: germline.
Comment: PP1_Strong, PP4_Strong, PM2_Supporting The c.1153_1155del, located in coding exon 4 of the MSH6 gene, results from an in-frame deletion of the 1 aminoacid, p.(Arg385del). This variant is not present in the population database, gnomAD v4.1.0 dataset (PM2_Supporting). The SpliceAI algorithm predicts no significant impact on splicing but computational tools predict a deleterious effect of the variant on protein function (PROVEAN= -9.019). It has been identified in multiple patients whose Lynch-associated tumors showed loss of MSH6 protein expression (17718861, 22081473, 32635641 and internal data, PP4_Strong), cosegregation of this variant in multiple affected families has been observed (PMID: 32635641 and internal data, PP1_Strong). This variant has been reported in ClinVar (1x pathogenic, 1x uncertain significance), LOVD (1x likely Pathogenic, 4x uncertain significance). The variant was also identified in the Insight database as uncertain (class 3) based on insufficient evidence. Based on currently available information, the variant c.1153_1155del is classified as a likely pathogenic variant according to to ClinGen-CRC_ACMG_Specifications_MSH6_v1.0.0.

Ambry Genetics
Classification: Likely pathogenic for Hereditary cancer-predisposing syndrome. Last evaluated: 2025-01-09. Review status: criteria provided, single submitter. Criteria: Ambry Variant Classification Scheme 2023. Collection method: clinical testing. Allele origin: germline.
Comment: The c.1153_1155delAGG variant (also known as p.R385del) is located in coding exon 4 of the MSH6 gene. This variant results from an in-frame AGG deletion at nucleotide positions 1153 to 1155. This results in the in-frame deletion of an arginine at codon 385. This alteration is observed in at least one individual whose Lynch-associated tumor demonstrated high microsatellite instability and/or loss of MSH6 expression on immunohistochemistry (IHC) (Ambry internal data; van Lier MG et al. J Pathol, 2012 Apr;226:764-74; D&aacute;maso E et al. Cancers (Basel), 2020 Jul;12(7):1799). This alteration co-segregated with disease in one family (D&aacute;maso E et al. Cancers (Basel), 2020 Jul;12(7):1799). This variant is considered to be rare based on population cohorts in the Genome Aggregation Database (gnomAD). This amino acid position is highly conserved in available vertebrate species. In addition, this alteration is predicted to be deleterious by in silico analysis (Choi Y et al. PLoS ONE. 2012; 7(10):e46688). Based on the majority of available evidence to date, this variant is likely to be pathogenic.

Labcorp Genetics (formerly Invitae), Labcorp
Classification: Uncertain significance for Hereditary nonpolyposis colorectal neoplasms. Last evaluated: 2024-04-09. Review status: criteria provided, single submitter. Criteria: Invitae Variant Classification Sherloc (09022015). Collection method: clinical testing. Allele origin: germline.
Comment: This variant, c.1153_1155del, results in the deletion of 1 amino acid(s) of the MSH6 protein (p.Arg385del), but otherwise preserves the integrity of the reading frame. This variant is not present in population databases (gnomAD no frequency). This variant has been observed in individual(s) with clinical features of Lynch syndrome (PMID: 17718861, 22081473, 32635641). ClinVar contains an entry for this variant (Variation ID: 89177). Experimental studies and prediction algorithms are not available or were not evaluated, and the functional significance of this variant is currently unknown. In summary, the available evidence is currently insufficient to determine the role of this variant in disease. Therefore, it has been classified as a Variant of Uncertain Significance.

Literature cited by the submitters: PubMed 22081473 (cited by Ambry Genetics and Labcorp Genetics (formerly Invitae), Labcorp); PubMed 32635641 (cited by Ambry Genetics and Labcorp Genetics (formerly Invitae), Labcorp); PubMed 17718861 (cited by Labcorp Genetics (formerly Invitae), Labcorp).